The following is an entry in ClinVar:

NM_172351.3(CD46):c.369G>A (p.Met123Ile)

Gene: CD46 (CD46 molecule; plus strand). Cytogenetic location: 1q32.2.
Variant type: single nucleotide variant.
Coding change: c.369G>A on transcript NM_172351.3 (MANE Select); coding-DNA position 369, G replaced by A.
Protein change: p.Met123Ile; replaces methionine 123 with isoleucine.
Molecular consequence: missense variant.
Genome position (GRCh38, 1-based): chr1:207,757,622, G>A. VCF-style: chr1-207757622-G-A. GRCh37 (hg19) VCF-style: chr1-207930967-G-A.
Other names: c.369G>A, p.Met123Ile (NM_002389.4, NM_153826.4, NM_172350.3 and 8 more transcripts); short protein forms M123I.
Identifiers: ClinVar variation 3672382 (VCV003672382.2).

ClinVar aggregate classification (germline): Uncertain significance (1 of 4 stars; one submission).

Submission:

Labcorp Genetics (formerly Invitae), Labcorp
Classification: Uncertain significance. Last evaluated: 2024-11-11. Review status: criteria provided, single submitter. Criteria: Invitae Variant Classification Sherloc (09022015). Collection method: clinical testing. Allele origin: germline.
Comment: This sequence change replaces methionine, which is neutral and non-polar, with isoleucine, which is neutral and non-polar, at codon 123 of the CD46 protein (p.Met123Ile). This variant is not present in population databases (gnomAD no frequency). This variant has not been reported in the literature in individuals affected with CD46-related conditions. Invitae Evidence Modeling of protein sequence and biophysical properties (such as structural, functional, and spatial information, amino acid conservation, physicochemical variation, residue mobility, and thermodynamic stability) indicates that this missense variant is not expected to disrupt CD46 protein function with a negative predictive value of 80%. In summary, the available evidence is currently insufficient to determine the role of this variant in disease. Therefore, it has been classified as a Variant of Uncertain Significance.